The following is an entry in ClinVar:

ClinVar aggregate classification (germline): Conflicting classifications of pathogenicity. Review status: criteria provided, conflicting classifications (1 of 4 stars). 2 submissions from 2 submitters: Uncertain significance (1); Likely benign (1). Last evaluated 2025-08-25.

Conditions:
Inborn genetic diseases. Identifiers: MedGen C0950123, MeSH D030342.
SLC26A1-related disorder. Also called: SLC26A1-related condition.

gnomAD v4.1: 189 of 1,607,192 alleles (0.012%); highest among the groups gnomAD compares: South Asian, 0.13%; 3 homozygotes.

Submissions (2):

Ambry Genetics
Classification: Likely benign for Inborn genetic diseases. Last evaluated: 2025-08-25. Review status: criteria provided, single submitter. Criteria: Ambry Variant Classification Scheme 2023. Collection method: clinical testing. Allele origin: germline.

PreventionGenetics, part of Exact Sciences
Classification: Uncertain significance for SLC26A1-related condition. Last evaluated: 2024-11-22. Review status: criteria provided, single submitter. Criteria: ACMG Guidelines, 2015. Collection method: clinical testing. Allele origin: germline.
Comment: The SLC26A1 c.1771G>A variant is predicted to result in the amino acid substitution p.Glu591Lys. To our knowledge, this variant has not been reported in the literature. This variant is reported in 0.12% of alleles in individuals of South Asian descent in a large population database (gnomAD), including one homozygous observation, which is likely too frequent to be a primary cause of disease. Although we suspect this variant is benign, at this time, the clinical significance of this variant is uncertain due to the absence of conclusive functional and genetic evidence.

NM_022042.4(SLC26A1):c.1771G>A (p.Glu591Lys)

Genes: IDUA (alpha-L-iduronidase; plus strand), SLC26A1 (solute carrier family 26 member 1; minus strand). Cytogenetic location: 4p16.3.
Variant type: single nucleotide variant.
Coding change: c.1771G>A on transcript NM_022042.4 (MANE Select); coding-DNA position 1771, G replaced by A.
Protein change: p.Glu591Lys; replaces glutamic acid 591 with lysine.
Molecular consequence: missense variant. On other transcripts: intron variant (2).
Genome position (GRCh38, 1-based): chr4:989,168, C>T on the plus strand (G>A on the coding strand, the complement: SLC26A1 is on the minus strand). VCF-style: chr4-989168-C-T. GRCh37 (hg19) VCF-style: chr4-982956-C-T.
Other names: c.1771G>A (NM_022042.3); c.1771G>A, p.Glu591Lys (NM_213613.4); c.576+1960G>A (NM_134425.4); c.299+1219C>T (NM_000203.5); short protein forms E591K.
Identifiers: ClinVar variation 4167155 (VCV004167155.2).